The following is an entry in ClinVar:

NM_001371596.2(MFSD8):c.1458_1459delinsAA (p.Ser486_Leu487delinsArgMet)

Gene: MFSD8 (major facilitator superfamily domain containing 8; minus strand). Cytogenetic location: 4q28.2.
Variant type: Indel.
Coding change: c.1458_1459delinsAA on transcript NM_001371596.2 (MANE Select); coding-DNA positions 1458 to 1459, CC replaced by AA.
Protein change: p.Ser486_Leu487delinsArgMet.
Molecular consequence: missense variant.
Genome position (GRCh38, 1-based): chr4:127,920,728-127,920,729, GG replaced by TT on the plus strand (CC replaced by AA on the coding strand, the reverse complement: MFSD8 is on the minus strand). VCF-style: chr4-127920728-GG-TT. GRCh37 (hg19) VCF-style: chr4-128841883-GG-TT.
Other names: c.1257_1258delCCinsAA, p.Ser419_Leu420delinsArgMet (NM_001363520.3); c.1143_1144delCCinsAA, p.Ser381_Leu382delinsArgMet (NM_001363521.3); c.1323_1324delCCinsAA, p.Ser441_Leu442delinsArgMet (NM_001371590.2); c.1467_1468delCCinsAA, p.Ser489_Leu490delinsArgMet (NM_001371591.2); c.1464_1465delCCinsAA, p.Ser488_Leu489delinsArgMet (NM_001371592.2); c.1344_1345delCCinsAA, p.Ser448_Leu449delinsArgMet (NM_001371593.2); c.1311_1312delCCinsAA, p.Ser437_Leu438delinsArgMet (NM_001371594.2); c.1176_1177delinsAA, p.Ser392_Leu393delinsArgMet (NM_001371595.1); and 3 more.
Identifiers: ClinVar variation 1998728 (VCV001998728.4), dbSNP rs2546042497, ClinGen allele CA2580071502.
Genomic context (GRCh38, chr4:127,920,728, plus strand): 5'-TGAGTCTTTTGTAAACCACTCCCAGGAGGGTGATGGTGAGCACTATTATTCCACACACCA[GG>TT]CTGAATGCCCATCGTGGTCCCCAGTGAGCATACACTTGGCTGATGAACATAGGCCCAAGA-3'

ClinVar aggregate classification (germline): Uncertain significance (1 of 4 stars; one submission).

Conditions:
Neuronal ceroid lipofuscinosis 7 (CLN7). Also called: MFSD8-Related Neuronal Ceroid-Lipofuscinosis. Identifiers: Orphanet 168491, Orphanet 228366, MedGen C1838571, MONDO:0012588, OMIM 610951.

Submission:

Labcorp Genetics (formerly Invitae), Labcorp
Classification: Uncertain significance for Neuronal ceroid lipofuscinosis 7. Last evaluated: 2022-10-13. Review status: criteria provided, single submitter. Criteria: Invitae Variant Classification Sherloc (09022015). Collection method: clinical testing. Allele origin: germline.
Comment: In summary, the available evidence is currently insufficient to determine the role of this variant in disease. Therefore, it has been classified as a Variant of Uncertain Significance. Experimental studies and prediction algorithms are not available or were not evaluated, and the functional significance of this variant is currently unknown. This variant has not been reported in the literature in individuals affected with MFSD8-related conditions. Information on the frequency of this variant in the gnomAD database is not available, as this variant may be reported differently in the database. This variant, c.1458_1459delinsAA, is a complex sequence change that results in the deletion and insertion of 2 different amino acid(s) in the MFSD8 protein (p.Ser486_Leu487delinsArgMet).